The following is an entry in ClinVar:

ClinVar aggregate classification (germline): Uncertain significance. Review status: criteria provided, multiple submitters, no conflicts (2 of 4 stars). 5 submissions from 5 submitters: Uncertain significance (5). Last evaluated 2026-08-22.

Conditions:
Rothmund-Thomson syndrome type 2 (RTS2). Identifiers: Orphanet 221016, MedGen C5203410, MONDO:0016369, OMIM 268400.
RECQL4-related disorder. Also called: RECQL4-related disorders; RECQL4-related condition.
Baller-Gerold syndrome (BGS). Also called: CRANIOSYNOSTOSIS WITH RADIAL DEFECTS. Identifiers: Orphanet 1225, MedGen C0265308, MONDO:0009039, OMIM 218600.

Allele frequency attached by ClinVar (database versions not stated): gnomAD 0.00009 and 0.00011; gnomAD exomes 0.00013 and 0.00018; TOPMed 0.00014; ExAC 0.00020; ESP Exome Variant Server 0.00023.
gnomAD v4.1: 271 of 1,612,468 alleles (0.017%); highest among the groups gnomAD compares: Non-Finnish European, 0.019%; 1 homozygote.

Submissions (5):

PreventionGenetics, part of Exact Sciences
Classification: Uncertain significance for RECQL4-related condition. Last evaluated: 2026-08-22. Review status: criteria provided, single submitter. Criteria: ACMG Guidelines, 2015. Collection method: clinical testing. Allele origin: germline.
Comment: The RECQL4 c.3430C>T variant is predicted to result in the amino acid substitution p.Arg1144Cys. This variant has been reported in two individuals with craniosynostosis (Clarke et al. 2018. PubMed ID: 29168297). This variant is reported in 0.019% of alleles in individuals of European (Non-Finnish) descent in gnomAD and is interpreted as uncertain in ClinVar (Variation ID: 407033). At this time, the clinical significance of this variant is uncertain due to the absence of conclusive functional and genetic evidence.

Labcorp Genetics (formerly Invitae), Labcorp
Classification: Uncertain significance for Baller-Gerold syndrome. Last evaluated: 2026-01-22. Review status: criteria provided, single submitter. Criteria: Invitae Variant Classification Sherloc (09022015). Collection method: clinical testing. Allele origin: germline.
Comment: This sequence change replaces arginine, which is basic and polar, with cysteine, which is neutral and slightly polar, at codon 1144 of the RECQL4 protein (p.Arg1144Cys). This variant is present in population databases (rs202134651, gnomAD 0.02%). This missense change has been observed in individual(s) with craniosynostosis (PMID: 29168297). ClinVar contains an entry for this variant (Variation ID: 407033). Invitae Evidence Modeling of protein sequence and biophysical properties (such as structural, functional, and spatial information, amino acid conservation, physicochemical variation, residue mobility, and thermodynamic stability) has been performed for this missense variant. However, the output from this modeling did not meet the statistical confidence thresholds required to predict the impact of this variant on RECQL4 protein function. In summary, the available evidence is currently insufficient to determine the role of this variant in disease. Therefore, it has been classified as a Variant of Uncertain Significance.

GeneDx
Classification: Uncertain significance. Last evaluated: 2025-06-24. Review status: criteria provided, single submitter. Criteria: GeneDx Variant Classification Process June 2021. Collection method: clinical testing. Allele origin: germline. Affected: yes.
Comment: In silico analysis does not support a benign or deleterious effect of this variant on protein structure/function; Identified in two individuals with sagittal craniosynostosis in published literature (PMID: 29168297); This variant is associated with the following publications: (PMID: 29168297)

Blueprint Genetics
Classification: Uncertain significance. Last evaluated: 2023-08-15. Review status: criteria provided, single submitter. Criteria: ACMG Guidelines, 2015. Collection method: clinical testing. Allele origin: germline.

St. Jude Molecular Pathology, St. Jude Children's Research Hospital
Classification: Uncertain significance for Rothmund-Thomson syndrome type 2. Last evaluated: 2023-01-30. Review status: criteria provided, single submitter. Criteria: St. Jude Assertion Criteria 2020. Collection method: clinical testing. Allele origin: germline.
Comment: The RECQL4 c.3430C>T (p.Arg1144Cys) missense change has a maximum subpopulation frequency of 0.019% in gnomAD v2.1.1. In silico tools predict a deleterious effect of this variant on protein function, and to our knowledge functional studies have not been performed. This variant has been reported in at least two individuals with single suture craniosynostosis (PMID: 29168297). In summary, the evidence currently available is insufficient to determine the clinical significance of this variant. It has therefore been classified as of uncertain significance.

Literature cited by the submitters: PubMed 29168297 (cited by Labcorp Genetics (formerly Invitae), Labcorp).

NM_004260.4(RECQL4):c.3430C>T (p.Arg1144Cys)

Gene: RECQL4 (RecQ like helicase 4; minus strand). Cytogenetic location: 8q24.3.
Variant type: single nucleotide variant.
Coding change: c.3430C>T on transcript NM_004260.4 (MANE Select); coding-DNA position 3430, C replaced by T.
Protein change: p.Arg1144Cys; replaces arginine 1144 with cysteine.
Molecular consequence: missense variant.
Genome position (GRCh38, 1-based): chr8:144,511,753, G>A on the plus strand (C>T on the coding strand, the complement: RECQL4 is on the minus strand). VCF-style: chr8-144511753-G-A. GRCh37 (hg19) VCF-style: chr8-145737136-G-A.
Other names: short protein forms R1144C.
Identifiers: ClinVar variation 407033 (VCV000407033.13), dbSNP rs202134651, ClinGen allele CA4947740.
Genomic context (GRCh38, chr8:144,511,753, plus strand): 5'-AGATGCGGGCCACAGCCCTGCTGGAGAACTTCTCCTCTGGCCTCAGGGACAGGAACTGGC[G>A]GATGTCGCAGCGGACCTGGTCCTCCCAATCCTGGAGCTGTGTGGACAGGCACATCAGGCT-3'
Protein context (NP_004251.4, residues 1134-1154): DWEDQVRCDI[Arg1144Cys]QFLSLRPEEK